The following is an entry in ClinVar:

NM_001166108.2(PALLD):c.2513G>A (p.Ser838Asn)

Genes: CBR4 (carbonyl reductase 4; minus strand), PALLD (palladin, cytoskeletal associated protein; plus strand). Cytogenetic location: 4q32.3.
Variant type: single nucleotide variant.
Coding change: c.2513G>A on transcript NM_001166108.2 (MANE Select); coding-DNA position 2513, G replaced by A.
Protein change: p.Ser838Asn; replaces serine 838 with asparagine.
Molecular consequence: missense variant.
Genome position (GRCh38, 1-based): chr4:168,903,797, G>A. VCF-style: chr4-168903797-G-A. GRCh37 (hg19) VCF-style: chr4-169824948-G-A.
Other names: c.1316G>A, p.Ser439Asn (NM_001166109.2); c.1001G>A, p.Ser334Asn (NM_001166110.2); c.341G>A, p.Ser114Asn (NM_001367567.1, NM_001367569.1); c.392G>A, p.Ser131Asn (NM_001367568.1, NM_001367570.1); c.2462G>A, p.Ser821Asn (NM_016081.4); c.2462G>A (NM_016081.3); short protein forms S334N, S821N, S131N, S114N, S439N, S838N.
Identifiers: ClinVar variation 216529 (VCV000216529.9), dbSNP rs863224702, ClinGen allele CA338594.
Genomic context (GRCh38, chr4:168,903,797, plus strand): 5'-ATCTTTGTTTCTATTCACAGATCTATTGGTTTAAAGATGGGAAGCAGATCTCTCCAAAGA[G>A]TGATCACTACACCATTCAAAGAGATCTCGATGGGACCTGCTCCCTCCATACCACAGCCTC-3'
Protein context (NP_001159580.1, residues 828-848): FKDGKQISPK[Ser838Asn]DHYTIQRDLD

ClinVar aggregate classification (germline): Conflicting classifications of pathogenicity. Review status: criteria provided, conflicting classifications (1 of 4 stars). 2 submissions from 2 submitters: Uncertain significance (1); Likely benign (1). Last evaluated 2024-04-26.

Conditions:
Pancreatic adenocarcinoma. Identifiers: MedGen C0281361, MONDO:0006047, HP:0006725.

Allele frequency attached by ClinVar (database versions not stated): gnomAD exomes below 0.00001.
gnomAD v4.1: 2 of 1,612,632 alleles (0.00012%); highest among the groups gnomAD compares: Non-Finnish European, 0.00017%; no homozygotes.

Submissions (2):

Ambry Genetics
Classification: Likely benign. Last evaluated: 2024-04-26. Review status: criteria provided, single submitter. Criteria: Ambry Variant Classification Scheme 2023. Collection method: clinical testing. Allele origin: germline.

Labcorp Genetics (formerly Invitae), Labcorp
Classification: Uncertain significance for Pancreatic adenocarcinoma. Last evaluated: 2015-02-07. Review status: criteria provided, single submitter. Criteria: Invitae Variant Classification Sherloc (09022015). Collection method: clinical testing. Allele origin: germline.
Comment: This variant has not been published in the literature and is not present in population databases. In summary, this is a novel missense change with uncertain impact on protein function. It has been classified as a Variant of Uncertain Significance. Algorithms developed to predict the effect of missense changes on protein structure and function do not agree on the potential impact of this missense change (SIFT: "Tolerated"; PolyPhen-2: "Possibly Damaging"; Align-GVGD: "Class C0"). This sequence change replaces serine with asparagine at codon 334 of the PALLD protein (p.Ser334Asn). The serine residue is highly conserved and there is a small physicochemical difference between serine and asparagine.